The following is an entry in ClinVar:

NM_000548.5(TSC2):c.2978C>T (p.Thr993Met)

Gene: TSC2 (TSC complex subunit 2; plus strand). Cytogenetic location: 16p13.3.
Variant type: single nucleotide variant.
Coding change: c.2978C>T on transcript NM_000548.5 (MANE Select); coding-DNA position 2978, C replaced by T.
Protein change: p.Thr993Met; replaces threonine 993 with methionine.
Molecular consequence: missense variant.
Genome position (GRCh38, 1-based): chr16:2,079,043, C>T. VCF-style: chr16-2079043-C-T. GRCh37 (hg19) VCF-style: chr16-2129044-C-T.
Other names: c.2846C>T, p.Thr949Met (NM_001077183.3, NM_001370404.1); c.2978C>T, p.Thr993Met (NM_001114382.3); c.2738C>T, p.Thr913Met (NM_001318827.2); c.2702C>T, p.Thr901Met (NM_001318829.2); c.2246C>T, p.Thr749Met (NM_001318831.2); c.2879C>T, p.Thr960Met (NM_001318832.2); c.2849C>T, p.Thr950Met (NM_001363528.2, NM_001370405.1, NM_021055.3); c.2978C>T (NM_000548.4); short protein forms T993M, T749M, T901M, T913M, T949M, T960M, T950M.
Identifiers: ClinVar variation 49772 (VCV000049772.26), dbSNP rs137854410, ClinGen allele CA018367.

ClinVar aggregate classification (germline): Benign/Likely benign. Review status: criteria provided, multiple submitters, no conflicts (2 of 4 stars). 12 submissions from 12 submitters: Benign (4); Likely benign (3). 5 of the submissions do not count toward it. Last evaluated 2026-02-01.

Conditions:
TSC2-related disorder. Also called: TSC2-related condition; TSC2-Related Disorders.
Tuberous sclerosis 2 (TSC2). Identifiers: Orphanet 805, MedGen C1860707, MONDO:0013199, OMIM 613254.
Tuberous sclerosis syndrome (TSC). Also called: Tuberous Sclerosis Complex; Tuberous sclerosis. Identifiers: Orphanet 805, MedGen C0041341, MONDO:0001734.
Hereditary cancer-predisposing syndrome. Also called: Neoplastic Syndromes, Hereditary; Tumor predisposition; Hereditary Cancer Syndrome; Hereditary neoplastic syndrome. Identifiers: Orphanet 140162, MedGen C0027672, MeSH D009386, MONDO:0015356.

Allele frequency attached by ClinVar (database versions not stated): ExAC 0.00001; gnomAD exomes 0.00004; TOPMed 0.00005; gnomAD 0.00006 and 0.00007; ESP Exome Variant Server 0.00008; 1000 Genomes Project 30x 0.00016; 1000 Genomes Project 0.00020.

Submissions (12):

Labcorp Genetics (formerly Invitae), Labcorp
Classification: Benign for Tuberous sclerosis 2. Last evaluated: 2026-02-01. Review status: criteria provided, single submitter. Criteria: Invitae Variant Classification Sherloc (09022015). Collection method: clinical testing. Allele origin: germline.

Myriad Genetics, Inc.
Classification: Likely benign for Tuberous sclerosis 2. Last evaluated: 2024-08-14. Review status: criteria provided, single submitter. Criteria: Myriad Autosomal Dominant, Autosomal Recessive and X-Linked Classification Criteria (2023). Collection method: clinical testing. Allele origin: unknown.
Comment: This variant is considered likely benign. This variant has been observed at a population frequency that is significantly greater than expected given the associated disease prevalence and penetrance.

Color Diagnostics, LLC DBA Color Health
Classification: Likely benign for Tuberous sclerosis syndrome. Last evaluated: 2022-08-10. Review status: criteria provided, single submitter. Criteria: ACMG Guidelines, 2015. Collection method: clinical testing. Allele origin: germline.

Genome-Nilou Lab
Classification: Benign for Tuberous sclerosis 2. Last evaluated: 2021-11-07. Review status: criteria provided, single submitter. Criteria: ACMG Guidelines, 2015. Collection method: clinical testing. Allele origin: germline. Affected: no.

Sema4
Classification: Benign for Hereditary cancer-predisposing syndrome. Last evaluated: 2021-08-12. Review status: criteria provided, single submitter. Criteria: Sema4 Curation Guidelines. Collection method: curation. Allele origin: germline.

Ambry Genetics
Classification: Likely benign for Hereditary cancer-predisposing syndrome. Last evaluated: 2019-07-12. Review status: criteria provided, single submitter. Criteria: Ambry Variant Classification Scheme 2023. Collection method: clinical testing. Allele origin: germline.

GeneDx
Classification: Benign. Last evaluated: 2018-05-04. Review status: criteria provided, single submitter. Criteria: GeneDx Variant Classification (06012015). Collection method: clinical testing. Allele origin: germline. Affected: yes.
Comment: This variant is considered likely benign or benign based on one or more of the following criteria: it is a conservative change, it occurs at a poorly conserved position in the protein, it is predicted to be benign by multiple in silico algorithms, and/or has population frequency not consistent with disease.

PreventionGenetics, part of Exact Sciences
Classification: Likely benign for TSC2-related condition. Last evaluated: 2022-07-10. Review status: no assertion criteria provided. Collection method: clinical testing. Allele origin: germline. Not counted in ClinVar's aggregate classification.
Comment: This variant is classified as likely benign based on ACMG/AMP sequence variant interpretation guidelines (Richards et al. 2015 PMID: 25741868, with internal and published modifications).

Clinical Genetics DNA and cytogenetics Diagnostics Lab, Erasmus MC, Erasmus Medical Center
Classification: Benign. Review status: no assertion criteria provided. Collection method: clinical testing. Allele origin: germline. Affected: yes. Study: VKGL Data-share Consensus. Not counted in ClinVar's aggregate classification.

Clinical Genetics, Academic Medical Center
Classification: Likely benign. Review status: no assertion criteria provided. Collection method: clinical testing. Allele origin: germline. Affected: yes. Study: VKGL Data-share Consensus. Not counted in ClinVar's aggregate classification.

Genome Diagnostics Laboratory, Amsterdam University Medical Center
Classification: Likely benign. Review status: no assertion criteria provided. Collection method: clinical testing. Allele origin: germline. Affected: yes. Study: VKGL Data-share Consensus. Not counted in ClinVar's aggregate classification.

Tuberous sclerosis database (TSC2)
No classification provided. Condition: TSC. Review status: no classification provided. Criteria: Tuberous Sclerosis Database Assertion Criteria 2015. Collection method: curation. Allele origin: germline. Affected: yes. Not counted in ClinVar's aggregate classification.

Literature cited by the submitters: PubMed 15798777 (cited by Ambry Genetics); PubMed 18302728 (cited by Ambry Genetics); PubMed 21309039 (cited by Ambry Genetics).